The following is an entry in ClinVar:

ClinVar aggregate classification (germline): Uncertain significance (1 of 4 stars; one submission).

Submission:

GeneDx
Classification: Uncertain significance. Last evaluated: 2026-02-27. Review status: criteria provided, single submitter. Criteria: GeneDx Variant Classification Process June 2021. Collection method: clinical testing. Allele origin: germline.
Comment: Not observed at significant frequency in large population cohorts (gnomAD); In silico analysis supports that this missense variant has a deleterious effect on protein structure/function; Has not been previously published as pathogenic or benign to our knowledge

NM_001357.5(DHX9):c.3649G>C (p.Gly1217Arg)

Gene: DHX9 (DExH-box helicase 9; plus strand). Cytogenetic location: 1q25.3.
Variant type: single nucleotide variant.
Coding change: c.3649G>C on transcript NM_001357.5 (MANE Select); coding-DNA position 3649, G replaced by C.
Protein change: p.Gly1217Arg; replaces glycine 1217 with arginine.
Molecular consequence: missense variant. On other transcripts: non-coding transcript variant (1).
Genome position (GRCh38, 1-based): chr1:182,887,270, G>C. VCF-style: chr1-182887270-G-C. GRCh37 (hg19) VCF-style: chr1-182856405-G-C.
Other names: short protein forms G1217R.
Identifiers: ClinVar variation 3572626 (VCV003572626.2).